The following is an entry in ClinVar:

NM_001356.5(DDX3X):c.1106C>G (p.Thr369Ser)

Gene: DDX3X (DEAD-box helicase 3 X-linked; plus strand). Cytogenetic location: Xp11.4.
Variant type: single nucleotide variant.
Coding change: c.1106C>G on transcript NM_001356.5 (MANE Select); coding-DNA position 1106, C replaced by G.
Protein change: p.Thr369Ser; replaces threonine 369 with serine.
Molecular consequence: missense variant. On other transcripts: non-coding transcript variant (1).
Genome position (GRCh38, 1-based): chrX:41,345,260, C>G. VCF-style: chrX-41345260-C-G. GRCh37 (hg19) VCF-style: chrX-41204513-C-G.
Other names: c.1106C>G, p.Thr369Ser (NM_001193416.3); c.1058C>G, p.Thr353Ser (NM_001193417.3); c.548C>G, p.Thr183Ser (NM_001363819.1); short protein forms T183S, T353S, T369S.
Identifiers: ClinVar variation 1704169 (VCV001704169.4), dbSNP rs1307578363, ClinGen allele CA412771410.

ClinVar aggregate classification (germline): Conflicting classifications of pathogenicity. Review status: criteria provided, conflicting classifications (1 of 4 stars). 2 submissions from 2 submitters: Likely pathogenic (1); Uncertain significance (1). Last evaluated 2025-11-07.

Conditions:
X-linked syndromic intellectual disability. Also called: Intellectual developmental disorder, X-linked syndromic; X-linked mental retardation, syndromic. Identifiers: MedGen CN228426, MONDO:0020119.

Allele frequency attached by ClinVar (database versions not stated): TOPMed below 0.00001; gnomAD 0.00001; gnomAD exomes below 0.00001.

Submissions (2):

GeneDx
Classification: Likely pathogenic. Last evaluated: 2025-11-07. Review status: criteria provided, single submitter. Criteria: GeneDx Variant Classification Process June 2021. Collection method: clinical testing. Allele origin: germline. Affected: yes.
Comment: Not observed at significant frequency in large population cohorts (gnomAD); In silico analysis suggests that this missense variant does not alter protein structure/function; Has not been previously published as pathogenic or benign to our knowledge

Department of Pathology and Laboratory Medicine, Sinai Health System
Classification: Uncertain significance for X-linked syndromic intellectual disability. Last evaluated: 2020-07-31. Review status: criteria provided, single submitter. Criteria: ACMG Guidelines, 2015. Collection method: research. Allele origin: germline.